The following is an entry in ClinVar:

NM_016277.5(RAB23):c.187T>C (p.Trp63Arg)

Gene: RAB23 (RAB23, member RAS oncogene family; minus strand). Cytogenetic location: 6p11.2.
Variant type: single nucleotide variant.
Coding change: c.187T>C on transcript NM_016277.5 (MANE Select); coding-DNA position 187, T replaced by C.
Protein change: p.Trp63Arg; replaces tryptophan 63 with arginine.
Molecular consequence: missense variant.
Genome position (GRCh38, 1-based): chr6:57,207,682, A>G on the plus strand (T>C on the coding strand, the complement: RAB23 is on the minus strand). VCF-style: chr6-57207682-A-G. GRCh37 (hg19) VCF-style: chr6-57072480-A-G.
Other names: c.187T>C, p.Trp63Arg (NM_001278666.2, NM_001278667.2, NM_001278668.2 and 1 more transcripts); short protein forms W63R.
Identifiers: ClinVar variation 5001420 (VCV005001420.1).

ClinVar aggregate classification (germline): Uncertain significance (1 of 4 stars; one submission).

Conditions:
RAB23-related disorder. Also called: RAB23-related condition.

gnomAD v4.1: 9 of 1,604,980 alleles (0.00056%); highest among the groups gnomAD compares: South Asian, 0.0022%; no homozygotes.

Submission:

PreventionGenetics, part of Exact Sciences
Classification: Uncertain significance for RAB23-related condition. Last evaluated: 2025-04-02. Review status: criteria provided, single submitter. Criteria: ACMG Guidelines, 2015. Collection method: clinical testing. Allele origin: germline.
Comment: The RAB23 c.187T>C variant is predicted to result in the amino acid substitution p.Trp63Arg. To our knowledge, this variant has not been reported in the literature. This variant is reported in 0.0033% of alleles in individuals of South Asian descent in gnomAD. At this time, the clinical significance of this variant is uncertain due to the absence of conclusive functional and genetic evidence.